The following is an entry in ClinVar:

NM_031418.4(ANO3):c.1415_1423dup (p.Phe474_Phe475insSerValPhe)

Genes: ANO3 (anoctamin 3; plus strand), MUC15 (mucin 15, cell surface associated; minus strand). Cytogenetic location: 11p14.2.
Variant type: Duplication.
Coding change: c.1415_1423dup on transcript NM_031418.4 (MANE Select); coding-DNA positions 1415 to 1423, 9 bases duplicated (CAGTCTTCT; older notation c.1415_1423dupCAGTCTTCT).
Protein change: p.Phe474_Phe475insSerValPhe.
Molecular consequence: inframe insertion. On other transcripts: 3 prime UTR variant (3).
Genome position (GRCh38, 1-based): chr11:26,559,747-26,559,755, CAGTCTTCT duplicated. VCF-style (leftmost placement, unchanged base first): chr11-26559746-A-ACAGTCTTCT. GRCh37 (hg19) VCF-style: chr11-26581293-A-ACAGTCTTCT.
Other names: c.*1310_*1318dup (NM_001135091.2, NM_001135092.2, NM_145650.4); c.1598_1606dup, p.Phe535_Phe536insSerValPhe (NM_001313726.2); c.977_985dup, p.Phe328_Phe329insSerValPhe (NM_001313727.2).
Identifiers: ClinVar variation 3252972 (VCV003252972.2), dbSNP rs2538830399.

ClinVar aggregate classification (germline): Uncertain significance (1 of 4 stars; one submission).

Submission:

GeneDx
Classification: Uncertain significance. Last evaluated: 2025-03-11. Review status: criteria provided, single submitter. Criteria: GeneDx Variant Classification Process June 2021. Collection method: clinical testing. Allele origin: germline.
Comment: Not observed at significant frequency in large population cohorts (gnomAD); In-frame deletion of 3 amino acid(s) in a non-repeat region; Has not been previously published as pathogenic or benign to our knowledge